The following is an entry in ClinVar:

NM_006766.5(KAT6A):c.3913G>T (p.Ala1305Ser)

Gene: KAT6A (lysine acetyltransferase 6A; minus strand). Cytogenetic location: 8p11.21.
Variant type: single nucleotide variant.
Coding change: c.3913G>T on transcript NM_006766.5 (MANE Select); coding-DNA position 3913, G replaced by T.
Protein change: p.Ala1305Ser; replaces alanine 1305 with serine.
Molecular consequence: missense variant.
Genome position (GRCh38, 1-based): chr8:41,934,307, C>A on the plus strand (G>T on the coding strand, the complement: KAT6A is on the minus strand). VCF-style: chr8-41934307-C-A. GRCh37 (hg19) VCF-style: chr8-41791825-C-A.
Other names: short protein forms A1305S.
Identifiers: ClinVar variation 4747327 (VCV004747327.1).
Genomic context (GRCh38, chr8:41,934,307, plus strand): 5'-CCAGGTGGCCATCATCCTCATCATCAGCGTCGTGGTCGTCATTCTGGGCAGTCTCTGCAG[C>A]TGCATCTTCCTCCTCCTCTGGCTCTGGCTCCTCTAATTCCTGCTGCTCCTCCTCTGACTG-3'
Protein context (NP_006757.2, residues 1295-1315): EPEPEEEEDA[Ala1305Ser]AETAQNDDHD

ClinVar aggregate classification (germline): Uncertain significance (1 of 4 stars; one submission).

Submission:

Labcorp Genetics (formerly Invitae), Labcorp
Classification: Uncertain significance. Last evaluated: 2025-10-09. Review status: criteria provided, single submitter. Criteria: Invitae Variant Classification Sherloc (09022015). Collection method: clinical testing. Allele origin: germline.
Comment: This sequence change replaces alanine, which is neutral and non-polar, with serine, which is neutral and polar, at codon 1305 of the KAT6A protein (p.Ala1305Ser). This variant is not present in population databases (gnomAD no frequency). This variant has not been reported in the literature in individuals affected with KAT6A-related conditions. Invitae Evidence Modeling of protein sequence and biophysical properties (such as structural, functional, and spatial information, amino acid conservation, physicochemical variation, residue mobility, and thermodynamic stability) indicates that this missense variant is not expected to disrupt KAT6A protein function with a negative predictive value of 95%. In summary, the available evidence is currently insufficient to determine the role of this variant in disease. Therefore, it has been classified as a Variant of Uncertain Significance.